The following is an entry in ClinVar:

NM_004168.4(SDHA):c.941A>C (p.Glu314Ala)

Gene: SDHA (succinate dehydrogenase complex flavoprotein subunit A; plus strand). Cytogenetic location: 5p15.33.
Variant type: single nucleotide variant.
Coding change: c.941A>C on transcript NM_004168.4 (MANE Select); coding-DNA position 941, A replaced by C.
Protein change: p.Glu314Ala; replaces glutamic acid 314 with alanine.
Molecular consequence: missense variant.
Genome position (GRCh38, 1-based): chr5:233,522, A>C. VCF-style: chr5-233522-A-C. GRCh37 (hg19) VCF-style: chr5-233637-A-C.
Other names: c.941A>C (NM_004168.3); c.797A>C, p.Glu266Ala (NM_001294332.2); c.941A>C, p.Glu314Ala (NM_001330758.2); short protein forms E314A, E266A.
Identifiers: ClinVar variation 1432555 (VCV001432555.10), dbSNP rs1735550179, ClinGen allele CA359012624.
Genomic context (GRCh38, chr5:233,522, plus strand): 5'-TGTGGTTTTTTGCAGGCATATATGGTGCTGGTTGTCTCATTACGGAAGGATGTCGTGGAG[A>C]GGGAGGCATTCTCATTAACAGTCAAGGCGAAAGGTTTATGGAGCGATACGCCCCTGTCGC-3'
Protein context (NP_004159.2, residues 304-324): GCLITEGCRG[Glu314Ala]GGILINSQGE

ClinVar aggregate classification (germline): Uncertain significance. Review status: criteria provided, multiple submitters, no conflicts (2 of 4 stars). 3 submissions from 3 submitters: Uncertain significance (3). Last evaluated 2025-09-03.

Conditions:
Mitochondrial complex II deficiency, nuclear type 1. Also called: SUCCINATE CoQ REDUCTASE DEFICIENCY. Identifiers: Orphanet 3208, MedGen C5700310, MONDO:0100294, OMIM 252011.
Pheochromocytoma/paraganglioma syndrome 5. Also called: Paragangliomas 5; SDHA-Related Hereditary Paraganglioma-Pheochromocytoma Syndrome. Identifiers: Orphanet 29072, MedGen C3279992, MONDO:0013602, OMIM 614165.
Hereditary cancer-predisposing syndrome. Also called: Neoplastic Syndromes, Hereditary; Hereditary Cancer Syndrome; Hereditary neoplastic syndrome; Tumor predisposition. Identifiers: Orphanet 140162, MedGen C0027672, MeSH D009386, MONDO:0015356.

Allele frequency attached by ClinVar (database versions not stated): gnomAD exomes below 0.00001.
gnomAD v4.1: 7 of 1,614,172 alleles (0.00043%); highest among the groups gnomAD compares: Non-Finnish European, 0.00051%; no homozygotes.

Submissions (3):

Labcorp Genetics (formerly Invitae), Labcorp
Classification: Uncertain significance for Pheochromocytoma/paraganglioma syndrome 5; Mitochondrial complex II deficiency, nuclear type 1. Last evaluated: 2025-09-03. Review status: criteria provided, single submitter. Criteria: Invitae Variant Classification Sherloc (09022015). Collection method: clinical testing. Allele origin: germline.
Comment: This sequence change replaces glutamic acid, which is acidic and polar, with alanine, which is neutral and non-polar, at codon 314 of the SDHA protein (p.Glu314Ala). This variant is not present in population databases (gnomAD no frequency). This variant has not been reported in the literature in individuals affected with SDHA-related conditions. ClinVar contains an entry for this variant (Variation ID: 1432555). Invitae Evidence Modeling of protein sequence and biophysical properties (such as structural, functional, and spatial information, amino acid conservation, physicochemical variation, residue mobility, and thermodynamic stability) has been performed for this missense variant. However, the output from this modeling did not meet the statistical confidence thresholds required to predict the impact of this variant on SDHA protein function. In summary, the available evidence is currently insufficient to determine the role of this variant in disease. Therefore, it has been classified as a Variant of Uncertain Significance.

Ambry Genetics
Classification: Uncertain significance for Hereditary cancer-predisposing syndrome. Last evaluated: 2025-05-07. Review status: criteria provided, single submitter. Criteria: Ambry Variant Classification Scheme 2023. Collection method: clinical testing. Allele origin: germline.
Comment: The p.E314A variant (also known as c.941A>C), located in coding exon 8 of the SDHA gene, results from an A to C substitution at nucleotide position 941. The glutamic acid at codon 314 is replaced by alanine, an amino acid with dissimilar properties. This amino acid position is highly conserved in available vertebrate species. In addition, this alteration is predicted to be deleterious by in silico analysis. Based on the available evidence, the clinical significance of this variant remains unclear.

Victorian Clinical Genetics Services, Murdoch Childrens Research Institute
Classification: Uncertain significance for Mitochondrial complex II deficiency, nuclear type 1. Last evaluated: 2023-07-16. Review status: criteria provided, single submitter. Criteria: ACMG Guidelines, 2015. Collection method: clinical testing. Allele origin: germline. Inheritance: Autosomal recessive inheritance. Affected: yes.
Comment: Based on the classification scheme VCGS_Germline_v1.3.4, this variant is classified as VUS-3A. Following criteria are met: 0102 - Loss of function is a known mechanism of disease in this gene and is associated with SDHA-related disorders. (I) 0108 - This gene is associated with both recessive and dominant disease (OMIM). (I) 0112 - Variants in this gene are known to have reduced penetrance for paragangliomas 5 (PMID: 29978154). (I) 0200 - Variant is predicted to result in a missense amino acid change from glutamic acid to alanine. (I) 0251 - This variant is heterozygous. (I) 0301 - Variant is absent from gnomAD (both v2 and v3). (SP) 0309 - An alternative amino acid change at the same position has been observed in gnomAD (v2: 1 heterozygote, 0 homozygotes). (I) 0501 - Missense variant consistently predicted to be damaging by multiple in silico tools or highly conserved with a major amino acid change. (SP) 0600 - Variant is located in the annotated FAD binding domain (DECIPHER). (I) 0708 - Other missense variants comparable to the one identified in this case have conflicting previous evidence for pathogenicity. The p.(Glu314Gly) and p.(Glu314Lys) variants have been classified in clinical cases as VUS in ClinVar. The p.(Glu314Lys) variant has also been classified as likely pathogenic in a patient with paragangliomas (PMID: 28384794). (I) 0809 - Previous evidence of pathogenicity for this variant is inconclusive. The variant has been classified as a VUS in a clinical case in ClinVar. (I) 0905 - No published segregation evidence has been identified for this variant. (I) 1007 - No published functional evidence has been identified for this variant. (I) 1208 - Inheritance information for this variant is not currently available in this individual. (I) Legend: (SP) - Supporting pathogenic, (I) - Information, (SB) - Supporting benign

Literature cited by the submitters: PubMed 28384794 (cited by Victorian Clinical Genetics Services, Murdoch Childrens Research Institute); PubMed 29978154 (cited by Victorian Clinical Genetics Services, Murdoch Childrens Research Institute).